The following is an entry in ClinVar:

NM_000535.7(PMS2):c.100A>C (p.Ser34Arg)

Gene: PMS2 (PMS1 homolog 2, mismatch repair system component; minus strand). Cytogenetic location: 7p22.1.
Variant type: single nucleotide variant.
Coding change: c.100A>C on transcript NM_000535.7 (MANE Select); coding-DNA position 100, A replaced by C.
Protein change: p.Ser34Arg; replaces serine 34 with arginine.
Molecular consequence: missense variant. On other transcripts: 5 prime UTR variant (8), non-coding transcript variant (1), intron variant (3).
Genome position (GRCh38, 1-based): chr7:6,005,955, T>G on the plus strand (A>C on the coding strand, the complement: PMS2 is on the minus strand). VCF-style: chr7-6005955-T-G. GRCh37 (hg19) VCF-style: chr7-6045586-T-G.
Other names: p.S34R:AGT>CGT; c.-306A>C (NM_001322003.2, NM_001322005.2, NM_001322009.2 and 1 more transcripts); c.100A>C, p.Ser34Arg (NM_001322006.2, NM_001322014.2); c.-116A>C (NM_001322007.2); c.-785A>C (NM_001322011.2, NM_001322012.2); c.-385A>C (NM_001322015.2); c.-52-1897A>C (NM_001322008.2); c.-242-1897A>C (NM_001322010.2, NM_001322004.2); short protein forms S34R.
Identifiers: ClinVar variation 182804 (VCV000182804.18), dbSNP rs730881912, ClinGen allele CA009092.
Genomic context (GRCh38, chr7:6,005,955, plus strand): 5'-TATTAGTGGCACCAGCATCCAGACTGTTTTCTACTAACTCCTTTACCGCAGTGCTTAGAC[T>G]CAGTACCACCTGCCCAGAGCAAATCTGATGGACTGACTTCCGATCAATAGGTTTGATGGC-3'
Protein context (NP_000526.2, residues 24-44): HQICSGQVVL[Ser34Arg]LSTAVKELVE

ClinVar aggregate classification (germline): Uncertain significance. Review status: criteria provided, multiple submitters, no conflicts (2 of 4 stars). 6 submissions from 6 submitters: Uncertain significance (6). Last evaluated 2026-05-12.

Conditions:
Hereditary nonpolyposis colorectal neoplasms. Identifiers: MedGen C0009405, MeSH D003123.
Hereditary cancer-predisposing syndrome. Also called: Tumor predisposition; Hereditary Cancer Syndrome; Hereditary neoplastic syndrome; Neoplastic Syndromes, Hereditary. Identifiers: Orphanet 140162, MedGen C0027672, MeSH D009386, MONDO:0015356.
Lynch syndrome. Identifiers: Orphanet 144, MedGen C4552100, MONDO:0005835. Disease mechanism: loss of function.

gnomAD v4.1: 5 of 1,610,816 alleles (0.00031%); highest among the groups gnomAD compares: African/African-American, 0.0013%; no homozygotes.

Submissions (6):

Ambry Genetics
Classification: Uncertain significance for Hereditary cancer-predisposing syndrome. Last evaluated: 2026-05-12. Review status: criteria provided, single submitter. Criteria: Ambry Variant Classification Scheme 2023. Collection method: clinical testing. Allele origin: germline.

Color Diagnostics, LLC DBA Color Health
Classification: Uncertain significance for Hereditary cancer-predisposing syndrome. Last evaluated: 2025-10-05. Review status: criteria provided, single submitter. Criteria: ACMG Guidelines, 2015. Collection method: clinical testing. Allele origin: germline.
Comment: This missense variant replaces serine with arginine at codon 34 of the PMS2 protein. Computational prediction is inconclusive regarding the impact of this variant on protein structure and function. To our knowledge, functional studies have not been reported for this variant. This variant has not been reported in individuals affected with PMS2-related disorders in the literature. This variant has not been identified in the general population by the Genome Aggregation Database (gnomAD). The available evidence is insufficient to determine the role of this variant in disease conclusively. Therefore, this variant is classified as a Variant of Uncertain Significance.

Labcorp Genetics (formerly Invitae), Labcorp
Classification: Uncertain significance for Hereditary nonpolyposis colorectal neoplasms. Last evaluated: 2025-04-11. Review status: criteria provided, single submitter. Criteria: Invitae Variant Classification Sherloc (09022015). Collection method: clinical testing. Allele origin: germline.
Comment: This sequence change replaces serine, which is neutral and polar, with arginine, which is basic and polar, at codon 34 of the PMS2 protein (p.Ser34Arg). This variant is not present in population databases (gnomAD no frequency). This variant has not been reported in the literature in individuals affected with PMS2-related conditions. ClinVar contains an entry for this variant (Variation ID: 182804). Invitae Evidence Modeling incorporating data from in vitro experimental studies (internal data) indicates that this missense variant is not expected to disrupt PMS2 function with a negative predictive value of 95%. In summary, the available evidence is currently insufficient to determine the role of this variant in disease. Therefore, it has been classified as a Variant of Uncertain Significance.

All of Us Research Program, National Institutes of Health
Classification: Uncertain significance for Lynch syndrome. Last evaluated: 2023-08-15. Review status: criteria provided, single submitter. Criteria: ACMG Guidelines, 2015. Collection method: clinical testing. Allele origin: germline. Inheritance: Autosomal dominant inheritance. Observed: 1 variant allele, 1 heterozygote.
Comment: This missense variant replaces serine with arginine at codon 34 of the PMS2 protein. Computational prediction is inconclusive regarding the impact of this variant on protein structure and function (internally defined REVEL score threshold 0.5 < inconclusive < 0.7, PMID: 27666373). To our knowledge, functional studies have not been reported for this variant. This variant has not been reported in individuals affected with PMS2-related disorders in the literature. This variant has not been identified in the general population by the Genome Aggregation Database (gnomAD). The available evidence is insufficient to determine the role of this variant in disease conclusively. Therefore, this variant is classified as a Variant of Uncertain Significance.

This study involves interpretation of variants in research participants for the purpose of population health screening. Participant phenotype was not available at the time of variant classification. Additional details can be found in publication PMID: 35346344, PMCID: PMC8962531

Quest Diagnostics Nichols Institute San Juan Capistrano
Classification: Uncertain significance. Last evaluated: 2019-12-24. Review status: criteria provided, single submitter. Criteria: Quest Diagnostics criteria. Collection method: clinical testing. Allele origin: unknown.

GeneDx
Classification: Uncertain significance. Last evaluated: 2015-05-29. Review status: criteria provided, single submitter. Criteria: GeneDx Variant Classification (06012015). Collection method: clinical testing. Allele origin: germline. Affected: yes.
Comment: This variant is denoted PMS2 c.100A>C at the cDNA level, p.Ser34Arg (S34R) at the protein level, and results in the change of a Serine to an Arginine (AGT>CGT). This variant has not, to our knowledge, been published in the literature as pathogenic or benign. PMS2 Ser34Arg was not observed in approximately 3,700 individuals of European and African American ancestry in the NHLBI Exome Sequencing Project, indicating it is not a common benign variant in these populations. Since Serine and Arginine differ in some properties, this is considered a semi-conservative amino acid substitution. PMS2 Ser34Arg occurs at a position that is conserved in mammals and is located in the ATPase domain (Fukui 2011). In silico analyses are inconsistent regarding the effect this variant may have on protein structure and function. Based on currently available information, it is unclear whether PMS2 Ser34Arg is pathogenic or benign. We consider it to be a variant of uncertain significance.